The following is an entry in ClinVar:

ClinVar aggregate classification (germline): Benign/Likely benign. Review status: criteria provided, multiple submitters, no conflicts (2 of 4 stars). 3 submissions from 3 submitters: Benign (1); Likely benign (2). Last evaluated 2026-07-10.

Conditions:
Hereditary cancer-predisposing syndrome. Also called: Hereditary neoplastic syndrome; Neoplastic Syndromes, Hereditary; Tumor predisposition; Hereditary Cancer Syndrome. Identifiers: Orphanet 140162, MedGen C0027672, MeSH D009386, MONDO:0015356.
Rhabdoid tumor predisposition syndrome 2 (RTPS2). Identifiers: Orphanet 231108, Orphanet 69077, MedGen C2750074, MONDO:0013224, OMIM 613325.

Submissions (3):

Myriad Genetics, Inc.
Classification: Benign for Rhabdoid tumor predisposition syndrome 2. Last evaluated: 2026-07-10. Review status: criteria provided, single submitter. Criteria: Myriad Autosomal Dominant, Autosomal Recessive and X-Linked Classification Criteria (2023). Collection method: clinical testing. Allele origin: unknown.
Comment: This variant is considered benign. This variant is a silent/synonymous amino acid change and it is not expected to impact splicing.

Ambry Genetics
Classification: Likely benign for Hereditary cancer-predisposing syndrome. Last evaluated: 2024-04-16. Review status: criteria provided, single submitter. Criteria: Ambry Variant Classification Scheme 2023. Collection method: clinical testing. Allele origin: germline.

Labcorp Genetics (formerly Invitae), Labcorp
Classification: Likely benign for Rhabdoid tumor predisposition syndrome 2. Last evaluated: 2024-04-02. Review status: criteria provided, single submitter. Criteria: Invitae Variant Classification Sherloc (09022015). Collection method: clinical testing. Allele origin: germline.

NM_003072.5(SMARCA4):c.1317C>T (p.Tyr439=)

Gene: SMARCA4 (SWI/SNF related BAF chromatin remodeling complex subunit ATPase 4; plus strand). Cytogenetic location: 19p13.2.
Variant type: single nucleotide variant.
Coding change: c.1317C>T on transcript NM_003072.5 (MANE Select); coding-DNA position 1317, C replaced by T.
Protein change: p.Tyr439=; no amino-acid change (tyrosine 439 retained).
Molecular consequence: synonymous variant. On other transcripts: non-coding transcript variant (1).
Genome position (GRCh38, 1-based): chr19:10,991,221, C>T. VCF-style: chr19-10991221-C-T. GRCh37 (hg19) VCF-style: chr19-11101897-C-T.
Other names: c.1317C>T, p.Tyr439= (NM_001128844.3, NM_001128845.2, NM_001128846.2 and 4 more transcripts).
Identifiers: ClinVar variation 733111 (VCV000733111.10), dbSNP rs1600023158, ClinGen allele CA505490102.